The following is an entry in ClinVar:

ClinVar aggregate classification (germline): Conflicting classifications of pathogenicity. Review status: criteria provided, conflicting classifications (1 of 4 stars). 3 submissions from 3 submitters: Uncertain significance (1); Likely benign (1). 1 of the submissions does not count toward it. Last evaluated 2023-07-07.

Conditions:
Inborn genetic diseases. Identifiers: MedGen C0950123, MeSH D030342.
Intellectual disability. Also called: intellectual disabilities; Intellectual developmental disorder; Intellectual functioning disability. Identifiers: MedGen C3714756, MeSH D008607, MONDO:0001071, HP:0001249.
Sulfite oxidase deficiency due to molybdenum cofactor deficiency type A. Also called: Molybdenum Cofactor Deficiency A; Molybdenum cofactor deficiency, complementation group A. Identifiers: Orphanet 308386, Orphanet 833, MedGen C1854988, MONDO:0009643, OMIM 252150.

Allele frequency attached by ClinVar (database versions not stated): gnomAD 0.00002 and 0.00001; 1000 Genomes Project 30x 0.00016; gnomAD exomes 0.00001; TOPMed 0.00002; ExAC 0.00008; 1000 Genomes Project 0.00020.
gnomAD v4.1: 9 of 1,545,232 alleles (0.00058%); highest among the groups gnomAD compares: African/African-American, 0.0027%; no homozygotes.

Submissions (3):

Labcorp Genetics (formerly Invitae), Labcorp
Classification: Uncertain significance for Sulfite oxidase deficiency due to molybdenum cofactor deficiency type A. Last evaluated: 2023-07-07. Review status: criteria provided, single submitter. Criteria: Invitae Variant Classification Sherloc (09022015). Collection method: clinical testing. Allele origin: germline.
Comment: In summary, the available evidence is currently insufficient to determine the role of this variant in disease. Therefore, it has been classified as a Variant of Uncertain Significance. An algorithm developed to predict the effect of missense changes on protein structure and function (PolyPhen-2) suggests that this variant¬†is likely to be tolerated. ClinVar contains an entry for this variant (Variation ID: 975449). This variant has not been reported in the literature in individuals affected with MOCS1-related conditions. This variant is present in population databases (rs532400782, gnomAD 0.004%). This sequence change replaces alanine, which is neutral and non-polar, with proline, which is neutral and non-polar, at codon 38 of the MOCS1 protein (p.Ala38Pro).

Ambry Genetics
Classification: Likely benign for Inborn genetic diseases. Last evaluated: 2023-03-29. Review status: criteria provided, single submitter. Criteria: Ambry Variant Classification Scheme 2023. Collection method: clinical testing. Allele origin: germline.

Centre de Biologie Pathologie Génétique, Centre Hospitalier Universitaire de Lille
Classification: Likely benign for Intellectual disability. Last evaluated: 2019-01-01. Review status: no assertion criteria provided. Collection method: clinical testing. Allele origin: inherited. Affected: yes. Not counted in ClinVar's aggregate classification.

NM_001358530.2(MOCS1):c.112G>C (p.Ala38Pro)

Gene: MOCS1 (molybdenum cofactor synthesis 1; minus strand). Cytogenetic location: 6p21.2.
Variant type: single nucleotide variant.
Coding change: c.112G>C on transcript NM_001358530.2 (MANE Select); coding-DNA position 112, G replaced by C.
Protein change: p.Ala38Pro; replaces alanine 38 with proline.
Molecular consequence: missense variant. On other transcripts: 5 prime UTR variant (2), non-coding transcript variant (1).
Genome position (GRCh38, 1-based): chr6:39,934,306, C>G on the plus strand (G>C on the coding strand, the complement: MOCS1 is on the minus strand). VCF-style: chr6-39934306-C-G. GRCh37 (hg19) VCF-style: chr6-39902045-C-G.
Other names: c.-23G>C (NM_001358533.2, NM_001358531.2); c.112G>C, p.Ala38Pro (NM_001075098.4, NM_001358529.2); short protein forms A38P.
Identifiers: ClinVar variation 975449 (VCV000975449.11), dbSNP rs532400782, ClinGen allele CA3796497.
Genomic context (GRCh38, chr6:39,934,306, plus strand): 5'-GGGCCACTCCTGCCCCGGGAAGCTGTGGACGCAGGCGGGGTGGGCTCACCTCCGAGGCAG[C>G]TCGCGCGGACTCCCCGGGGCAGGGCTGGGTCACCGGAGCCCCTGAGCTGCAGCTCCGGGC-3'
Protein context (NP_001345459.1, residues 28-48): TQPCPGESAR[Ala38Pro]ASEEVSRRRQ